The following is an entry in ClinVar:

NM_000512.5(GALNS):c.938C>T (p.Thr313Met)

Gene: GALNS (galactosamine (N-acetyl)-6-sulfatase; minus strand). Cytogenetic location: 16q24.3.
Variant type: single nucleotide variant.
Coding change: c.938C>T on transcript NM_000512.5 (MANE Select); coding-DNA position 938, C replaced by T.
Protein change: p.Thr313Met; replaces threonine 313 with methionine.
Molecular consequence: missense variant.
Genome position (GRCh38, 1-based): chr16:88,832,062, G>A on the plus strand (C>T on the coding strand, the complement: GALNS is on the minus strand). VCF-style: chr16-88832062-G-A. GRCh37 (hg19) VCF-style: chr16-88898470-G-A.
Other names: p.Thr313Met; c.938C>T (NM_000512.4); c.383C>T, p.Thr128Met (NM_001323543.2); c.956C>T, p.Thr319Met (NM_001323544.2); short protein forms T128M, T313M, T319M.
Identifiers: ClinVar variation 1048222 (VCV001048222.17), dbSNP rs894525161, ClinGen allele CA286459476.

ClinVar aggregate classification (germline): Pathogenic/Likely pathogenic. Review status: criteria provided, multiple submitters, no conflicts (2 of 4 stars). 9 submissions from 9 submitters: Pathogenic (7); Likely pathogenic (2). Last evaluated 2026-03-09.

Conditions:
Mucopolysaccharidosis, MPS-IV-A (MPS4A). Also called: MORQUIO SYNDROME A; Mucopolysaccharidosis Type IVA; MORQUIO A DISEASE; Morquio syndrome A, mild; mucopolysaccharidosis type 4A; GALACTOSAMINE-6-SULFATASE DEFICIENCY. Identifiers: Orphanet 309297, Orphanet 582, MedGen C0086651, MONDO:0009659, OMIM 253000.
GALNS-related disorder. Also called: GALNS-related condition.
Morquio syndrome. Also called: Mucopolysaccharidosis type 4; Mucopolysaccharidosis, Type IV; MPS IV; Eccentrochondrodysplasia. Identifiers: Orphanet 582, MedGen C0026707, MONDO:0018938.

Allele frequency attached by ClinVar (database versions not stated): gnomAD exomes 0.00002.
gnomAD v4.1: 10 of 1,613,888 alleles (0.00062%); highest among the groups gnomAD compares: Admixed American, 0.0033%; no homozygotes.

Submissions (9):

PreventionGenetics, part of Exact Sciences
Classification: Pathogenic for GALNS-related condition. Last evaluated: 2026-03-09. Review status: criteria provided, single submitter. Criteria: ACMG Guidelines, 2015. Collection method: clinical testing. Allele origin: germline.
Comment: The GALNS c.938C>T variant is predicted to result in the amino acid substitution p.Thr313Met. This variant was reported in the homozygous state in multiple individuals with mucopolysaccharidosis IVA (Dũng et al. 2013. PubMed ID: 23876334; Moisan et al. 2020. PubMed ID: 32993725). This variant is reported in 0.0058% of alleles in individuals of Latino descent in gnomAD. This variant is interpreted as pathogenic.

Labcorp Genetics (formerly Invitae), Labcorp
Classification: Pathogenic for Mucopolysaccharidosis, MPS-IV-A. Last evaluated: 2025-03-12. Review status: criteria provided, single submitter. Criteria: Invitae Variant Classification Sherloc (09022015). Collection method: clinical testing. Allele origin: germline.
Comment: This sequence change replaces threonine, which is neutral and polar, with methionine, which is neutral and non-polar, at codon 313 of the GALNS protein (p.Thr313Met). This variant is present in population databases (no rsID available, gnomAD 0.006%). This missense change has been observed in individual(s) with Morquio syndrome type A (PMID: 23876334, 25252036, 32993725). ClinVar contains an entry for this variant (Variation ID: 1048222). Invitae Evidence Modeling of protein sequence and biophysical properties (such as structural, functional, and spatial information, amino acid conservation, physicochemical variation, residue mobility, and thermodynamic stability) indicates that this missense variant is expected to disrupt GALNS protein function with a positive predictive value of 95%. For these reasons, this variant has been classified as Pathogenic.

Dr.Nikuei Genetic Center
Classification: Pathogenic for Mucopolysaccharidosis, MPS-IV-A. Last evaluated: 2024-07-10. Review status: criteria provided, single submitter. Criteria: ACMG Guidelines, 2015. Collection method: clinical testing. Allele origin: germline. Affected: yes.

Revvity Omics, Revvity
Classification: Pathogenic for Mucopolysaccharidosis, MPS-IV-A. Last evaluated: 2024-05-16. Review status: criteria provided, single submitter. Criteria: ACMG Guidelines, 2015. Collection method: clinical testing. Allele origin: germline.

Institute of Human Genetics, University of Leipzig Medical Center
Classification: Likely pathogenic for Mucopolysaccharidosis, MPS-IV-A. Last evaluated: 2023-12-04. Review status: criteria provided, single submitter. Criteria: ACMG Guidelines, 2015. Collection method: clinical testing. Allele origin: unknown. Inheritance: Autosomal recessive inheritance. Affected: yes.
Comment: Criteria applied: PM3_STR,PM2_SUP,PP3; Identified as compund heterozygous with NM_000512.5:c.143T>G

Women's Health and Genetics/Laboratory Corporation of America, LabCorp
Classification: Pathogenic for Morquio syndrome. Last evaluated: 2023-08-11. Review status: criteria provided, single submitter. Criteria: LabCorp Variant Classification Summary - May 2015. Collection method: clinical testing. Allele origin: germline.
Comment: Variant summary: GALNS c.938C>T (p.Thr313Met) results in a non-conservative amino acid change located in the sulfatase, N-terminal domain (IPR000917) of the encoded protein sequence. Five of five in-silico tools predict a damaging effect of the variant on protein function. The variant allele was found at a frequency of 1.6e-05 in 250640 control chromosomes (gnomAD). c.938C>T has been reported in the literature in multiple individuals affected with Mucopolysaccharidosis Type IVA (Morquio Syndrome A) (e.g. Dung_2013, Bidchol_2014, Moisan_2020, Zanetti_2021) . These data indicate that the variant is very likely to be associated with disease. To our knowledge, no experimental evidence demonstrating an impact on protein function has been reported. The following publications have been ascertained in the context of this evaluation (PMID: 25252036, 23876334, 32993725, 34387910). Four submitters have cited clinical-significance assessments for this variant to ClinVar after 2014. All submitters classified the variant as pathogenic/likely pathogenic. Based on the evidence outlined above, the variant was classified as pathogenic.

Foundation for Research in Genetics and Endocrinology, FRIGE's Institute of Human Genetics
Classification: Pathogenic for Mucopolysaccharidosis, MPS-IV-A. Last evaluated: 2023-04-13. Review status: criteria provided, single submitter. Criteria: ACMG Guidelines, 2015. Collection method: clinical testing. Allele origin: germline. Inheritance: Autosomal recessive inheritance. Affected: yes. Observed: 1 compound heterozygote.
Comment: A Heterozygous missense variation in exon 9 of the GALNS gene that results in the amino acid substitution of Methionine for Threonine at codon 313 was detected. The observed variant c.938C>T (p.Thr313Met) has not been reported in the 1000 genomes and has a MAF of 0.0016% in gnomAD databases. The in silico prediction of the variant is disease causing by MutationTaster. The reference codon is conserved across species. In summary, the variant meets our criteria to be classified as pathogenic.

Laboratory of Diagnosis and Therapy of Lysosomal Disorders, University of Padova
Classification: Likely pathogenic for Mucopolysaccharidosis, MPS-IV-A. Last evaluated: 2021-02-01. Review status: criteria provided, single submitter. Criteria: ACMG Guidelines, 2015. Collection method: research. Allele origin: germline. Affected: yes.
Comment: The prevalence of the variant in affected individuals is significantly increased compared with the prevalence in controls (PS4_strong); very low frequency in gnomAD v2.1.1 (PM2_moderate); multiple lines of computational evidence support a deleterious effect on the gene (PP3_supporting)

Neuberg Centre For Genomic Medicine, NCGM
Classification: Pathogenic for Mucopolysaccharidosis, MPS-IV-A. Review status: criteria provided, single submitter. Criteria: ACMG Guidelines, 2015. Collection method: clinical testing. Allele origin: germline. Inheritance: Autosomal recessive inheritance. Affected: yes.
Comment: The missense variant p.T313M in GALNS (NM_000512.5) has been reported previously in multiple affected individuals (PMID: 23876334, 25252036, 32993725) The p.T313M variant is observed in 2/34,528 (0.0058%) alleles from individuals of Latino background in gnomAD Exomes and is novel (not in any individuals) in 1000 Genomes.The p.T313M missense variant is predicted to be damaging by both SIFT and PolyPhen2. The threonine residue at codon 313 of GALNS is conserved in all mammalian species. The nucleotide c.938 in GALNS is predicted conserved by GERP++ and PhyloP across 100 vertebrates. For these reasons, this variant has been classified as Pathogenic.

Literature cited by the submitters: PubMed 23876334 (cited by 3 submitters); PubMed 25252036 (cited by 3 submitters); PubMed 32993725 (cited by 3 submitters); PubMed 34387910 (cited by Women's Health and Genetics/Laboratory Corporation of America, LabCorp and Laboratory of Diagnosis and Therapy of Lysosomal Disorders, University of Padova); PubMed 28397226 (cited by Laboratory of Diagnosis and Therapy of Lysosomal Disorders, University of Padova).